The following is an entry in ClinVar:

NM_001330260.2(SCN8A):c.4577T>C (p.Ile1526Thr)

Gene: SCN8A (sodium voltage-gated channel alpha subunit 8; plus strand). Cytogenetic location: 12q13.13.
Variant type: single nucleotide variant.
Coding change: c.4577T>C on transcript NM_001330260.2 (MANE Select); coding-DNA position 4577, T replaced by C.
Protein change: p.Ile1526Thr; replaces isoleucine 1526 with threonine.
Molecular consequence: missense variant.
Genome position (GRCh38, 1-based): chr12:51,794,423, T>C. VCF-style: chr12-51794423-T-C. GRCh37 (hg19) VCF-style: chr12-52188207-T-C.
Other names: c.4454T>C, p.Ile1485Thr (NM_001177984.3, NM_001369788.1); c.4577T>C, p.Ile1526Thr (NM_014191.4); short protein forms I1485T, I1526T.
Identifiers: ClinVar variation 3234619 (VCV003234619.20), dbSNP rs760758380, ClinGen allele CA6571841.
Genomic context (GRCh38, chr12:51,794,423, plus strand): 5'-CTCCCCAGAACAAAATCCAAGGAATCGTCTTTGATTTTGTCACTCAGCAAGCCTTTGACA[T>C]TGTTATCATGATGCTCATCTGCCTTAACATGGTGACAATGATGGTGGAGACAGACACTCA-3'
Protein context (NP_001317189.1, residues 1516-1536): FDFVTQQAFD[Ile1526Thr]VIMMLICLNM

ClinVar aggregate classification (germline): Uncertain significance (1 of 4 stars; one submission).

Allele frequency attached by ClinVar (database versions not stated): gnomAD exomes below 0.00001; ExAC 0.00001.
gnomAD v4.1: 1 of 1,613,942 alleles (0.000062%); highest among the groups gnomAD compares: Non-Finnish European, 0.000085%; no homozygotes.

Submission:

CeGaT Center for Human Genetics Tuebingen
Classification: Uncertain significance. Last evaluated: 2024-04-01. Review status: criteria provided, single submitter. Criteria: CeGaT Center For Human Genetics Tuebingen Variant Classification Criteria Version 2. Collection method: clinical testing. Allele origin: germline. Affected: yes. Observed: 1 variant allele.
Comment: SCN8A: PP2, PP3